The following is an entry in ClinVar:

NM_001165963.4(SCN1A):c.4280A>T (p.Gln1427Leu)

Genes: SCN1A (sodium voltage-gated channel alpha subunit 1; minus strand), LOC102724058 (uncharacterized LOC102724058; plus strand). Cytogenetic location: 2q24.3.
Variant type: single nucleotide variant.
Coding change: c.4280A>T on transcript NM_001165963.4 (MANE Select); coding-DNA position 4280, A replaced by T.
Protein change: p.Gln1427Leu; replaces glutamine 1427 with leucine.
Molecular consequence: missense variant. On other transcripts: non-coding transcript variant (1).
Genome position (GRCh38, 1-based): chr2:166,002,476, T>A on the plus strand (A>T on the coding strand, the complement: SCN1A is on the minus strand). VCF-style: chr2-166002476-T-A. GRCh37 (hg19) VCF-style: chr2-166858986-T-A.
Other names: c.4196A>T, p.Gln1399Leu (NM_001165964.3, NM_001353957.2, NM_001353958.2); c.4280A>T, p.Gln1427Leu (NM_001202435.3, NM_001353948.2); c.4247A>T, p.Gln1416Leu (NM_001353949.2, NM_001353950.2, NM_001353951.2 and 2 more transcripts); c.4244A>T, p.Gln1415Leu (NM_001353954.2, NM_001353955.2); c.4193A>T, p.Gln1398Leu (NM_001353960.2); c.1838A>T, p.Gln613Leu (NM_001353961.2); short protein forms Q1416L, Q1427L, Q1398L, Q1399L, Q613L, Q1415L.
Identifiers: ClinVar variation 372903 (VCV000372903.1), dbSNP rs1057518062, ClinGen allele CA16042437.

ClinVar aggregate classification (germline): Likely pathogenic (1 of 4 stars; one submission).

Submission:

GeneDx
Classification: Likely pathogenic. Last evaluated: 2016-01-27. Review status: criteria provided, single submitter. Criteria: GeneDx Variant Classification (06012015). Collection method: clinical testing. Allele origin: germline. Affected: yes.
Comment: The Q1427L variant has not been published as a pathogenic variant, nor has it been reported as a benign variant to our knowledge. It was not observed in approximately 6,500 individuals of European and African American ancestry in the NHLBI Exome Sequencing Project, indicating it is not a common benign variant in these populations. The Q1427L variant is a non-conservative amino acid substitution, which is likely to impact secondary protein structure as these residues differ in polarity, charge, size and/or other properties. Additionally, this substitution alters a highly conserved position predicted to be within the extracellular loop between transmembrane segments S5 and S6 of the third homologous domain of the SCN1A protein. In silico analysis predicts this variant is probably damaging to the protein structure/function. Furthermore, missense variants at the same position (Q1427P) and in nearby residues (Y1422C, L1423F, L1426R, V1428A, A1429S/D, F1431I) have been reported in the Human Gene Mutation Database in association with SCN1A-related disorders (Stenson et al., 2014), supporting the functional importance of this region of the protein. Therefore, this variant is likely pathogenic; however, the possibility that it is benign cannot be excluded.